The following is an entry in ClinVar:

ClinVar aggregate classification (germline): Uncertain significance. Review status: criteria provided, single submitter (1 of 4 stars). 2 submissions from 2 submitters: Uncertain significance (1). 1 of the submissions does not count toward it. Last evaluated 2023-12-04.

Conditions:
Hereditary cancer-predisposing syndrome. Also called: Hereditary Cancer Syndrome; Hereditary neoplastic syndrome; Tumor predisposition; Neoplastic Syndromes, Hereditary. Identifiers: Orphanet 140162, MedGen C0027672, MeSH D009386, MONDO:0015356.
Ataxia-telangiectasia-like disorder 1 (ATLD1). Identifiers: Orphanet 251347, MedGen C4012790, MONDO:0024557, OMIM 604391.

Submissions (2):

Ambry Genetics
Classification: Uncertain significance for Hereditary cancer-predisposing syndrome. Last evaluated: 2023-12-04. Review status: criteria provided, single submitter. Criteria: Ambry Variant Classification Scheme 2023. Collection method: clinical testing. Allele origin: germline.
Comment: The c.1226-5T>C intronic variant results from a T to C substitution 5 nucleotides upstream from coding exon 11 in the MRE11A gene. This nucleotide position is well conserved in available vertebrate species. In silico splice site analysis predicts that this alteration will not have any significant effect on splicing. Since supporting evidence is limited at this time, the clinical significance of this alteration remains unclear.

Counsyl
Classification: Likely benign for Ataxia-telangiectasia-like disorder 1. Last evaluated: 2018-05-23. Review status: no assertion criteria provided. Collection method: clinical testing. Allele origin: unknown. Not counted in ClinVar's aggregate classification.

NM_005591.4(MRE11):c.1226-5T>C

Gene: MRE11 (MRE11 double strand break repair nuclease; minus strand). Cytogenetic location: 11q21.
Variant type: single nucleotide variant.
Coding change: c.1226-5T>C on transcript NM_005591.4 (MANE Select); 5 bases into the intron before coding-DNA position 1226, T replaced by C.
Molecular consequence: intron variant.
Genome position (GRCh38, 1-based): chr11:94,461,041, A>G on the plus strand (T>C on the coding strand, the complement: MRE11 is on the minus strand). VCF-style: chr11-94461041-A-G. GRCh37 (hg19) VCF-style: chr11-94194207-A-G.
Other names: c.1226-5T>C (NM_001330347.2, NM_005590.4).
Identifiers: ClinVar variation 548916 (VCV000548916.6), dbSNP rs1555009952, ClinGen allele CA658822616.